The following is an entry in ClinVar:

ClinVar aggregate classification (germline): Uncertain significance. Review status: criteria provided, multiple submitters, no conflicts (2 of 4 stars). 2 submissions from 2 submitters: Uncertain significance (2). Last evaluated 2025-06-12.

Conditions:
Myofibrillar myopathy 3 (MFM3). Also called: Muscular dystrophy, proximal, type 1A; Autosomal dominant spheroid body myopathy. Identifiers: Orphanet 266, Orphanet 268129, MedGen C3714934, MONDO:0012215, OMIM 609200.

gnomAD v4.1: 5 of 1,613,914 alleles (0.00031%); highest among the groups gnomAD compares: South Asian, 0.0011%; no homozygotes.

Submissions (2):

Revvity Omics, Revvity
Classification: Uncertain significance for Myofibrillar myopathy 3. Last evaluated: 2025-06-12. Review status: criteria provided, single submitter. Criteria: ACMG Guidelines, 2015. Collection method: clinical testing. Allele origin: germline.

Labcorp Genetics (formerly Invitae), Labcorp
Classification: Uncertain significance for Myofibrillar myopathy 3. Last evaluated: 2022-06-08. Review status: criteria provided, single submitter. Criteria: Invitae Variant Classification Sherloc (09022015). Collection method: clinical testing. Allele origin: germline.
Comment: This variant is present in population databases (rs141801816, gnomAD 0.003%). In summary, the available evidence is currently insufficient to determine the role of this variant in disease. Therefore, it has been classified as a Variant of Uncertain Significance. Algorithms developed to predict the effect of missense changes on protein structure and function are either unavailable or do not agree on the potential impact of this missense change (SIFT: "Deleterious"; PolyPhen-2: "Possibly Damaging"; Align-GVGD: "Class C0"). ClinVar contains an entry for this variant (Variation ID: 580973). This variant has not been reported in the literature in individuals affected with MYOT-related conditions. This sequence change replaces arginine, which is basic and polar, with proline, which is neutral and non-polar, at codon 455 of the MYOT protein (p.Arg455Pro).

NM_006790.3(MYOT):c.1364G>C (p.Arg455Pro)

Genes: MYOT (myotilin; plus strand), PKD2L2-DT (PKD2L2 divergent transcript; minus strand). Cytogenetic location: 5q31.2.
Variant type: single nucleotide variant.
Coding change: c.1364G>C on transcript NM_006790.3 (MANE Select); coding-DNA position 1364, G replaced by C.
Protein change: p.Arg455Pro; replaces arginine 455 with proline.
Molecular consequence: missense variant.
Genome position (GRCh38, 1-based): chr5:137,887,252, G>C. VCF-style: chr5-137887252-G-C. GRCh37 (hg19) VCF-style: chr5-137222941-G-C.
Other names: c.812G>C, p.Arg271Pro (NM_001135940.2); c.1019G>C, p.Arg340Pro (NM_001300911.2); short protein forms R455P, R340P, R271P.
Identifiers: ClinVar variation 580973 (VCV000580973.10), dbSNP rs141801816, ClinGen allele CA3423182.
Genomic context (GRCh38, chr5:137,887,252, plus strand): 5'-CTTTTATGTGATCTATTTCAGCACGTCCAAACCAAACTCTTCCAGCTCCTAAGCAGTTAC[G>C]GGTTCGACCAACATTCAGCAAATATTTAGCACTTAATGGGAAAGGTTTGAATGTAAAACA-3'
Protein context (NP_006781.1, residues 445-465): NQTLPAPKQL[Arg455Pro]VRPTFSKYLA